The following is an entry in ClinVar:

NM_033215.5(PPP1R3F):c.303C>T (p.Pro101=)

Gene: PPP1R3F (protein phosphatase 1 regulatory subunit 3F; plus strand). Cytogenetic location: Xp11.23.
Variant type: single nucleotide variant.
Coding change: c.303C>T on transcript NM_033215.5 (MANE Select); coding-DNA position 303, C replaced by T.
Protein change: p.Pro101=; no amino-acid change (proline 101 retained).
Molecular consequence: synonymous variant. On other transcripts: intron variant (1).
Genome position (GRCh38, 1-based): chrX:49,270,172, C>T. VCF-style: chrX-49270172-C-T. GRCh37 (hg19) VCF-style: chrX-49126635-C-T.
Other names: c.-32+239C>T (NM_001184745.2).
Identifiers: ClinVar variation 4979388 (VCV004979388.1).
Genomic context (GRCh38, chrX:49,270,172, plus strand): 5'-GGACGACGATGGCGAGGATGGGGATGAAGGGGAGGAGGAAGAGGAGGCTTGCCCCGAGCC[C>T]TCACCGCTGTGCCCCGTCCCCGCTGGCGGGGGGTTTTACCTGGTCCCCACATTTTCGCTG-3'
Protein context (NP_149992.3, residues 91-111): GEEEEEACPE[Pro101=]SPLCPVPAGG

ClinVar aggregate classification (germline): Likely benign (1 of 4 stars; one submission).

Conditions:
PPP1R3F-related condition.

gnomAD v4.1: 37 of 1,097,221 alleles (0.0034%); highest among the groups gnomAD compares: Middle Eastern, 0.084%; no homozygotes.

Submission:

PreventionGenetics, part of Exact Sciences
Classification: Likely benign for PPP1R3F-related condition. Last evaluated: 2026-01-22. Review status: criteria provided, single submitter. Criteria: ACMG Guidelines, 2015. Collection method: clinical testing. Allele origin: germline.
Comment: This variant is classified as likely benign based on ACMG/AMP sequence variant interpretation guidelines (Richards et al. 2015 PMID: 25741868, with internal and published modifications).